The following is an entry in ClinVar:

ClinVar aggregate classification (germline): Uncertain significance. Review status: criteria provided, multiple submitters, no conflicts (2 of 4 stars). 2 submissions from 2 submitters: Uncertain significance (2). Last evaluated 2024-09-17.

Conditions:
Inborn genetic diseases. Identifiers: MedGen C0950123, MeSH D030342.

gnomAD v4.1: 10 of 1,613,676 alleles (0.00062%); highest among the groups gnomAD compares: Admixed American, 0.015%; no homozygotes.

Submissions (2):

GeneDx
Classification: Uncertain significance. Last evaluated: 2024-09-17. Review status: criteria provided, single submitter. Criteria: GeneDx Variant Classification Process June 2021. Collection method: clinical testing. Allele origin: germline. Affected: yes.
Comment: Not observed at significant frequency in large population cohorts (gnomAD); In silico analysis supports that this missense variant has a deleterious effect on protein structure/function; Has not been previously published as pathogenic or benign to our knowledge

Ambry Genetics
Classification: Uncertain significance for Inborn genetic diseases. Last evaluated: 2024-03-15. Review status: criteria provided, single submitter. Criteria: Ambry Variant Classification Scheme 2023. Collection method: clinical testing. Allele origin: germline.

NM_012463.4(ATP6V0A2):c.1650C>G (p.Phe550Leu)

Gene: ATP6V0A2 (ATPase H+ transporting V0 subunit a2; plus strand). Cytogenetic location: 12q24.31.
Variant type: single nucleotide variant.
Coding change: c.1650C>G on transcript NM_012463.4 (MANE Select); coding-DNA position 1650, C replaced by G.
Protein change: p.Phe550Leu; replaces phenylalanine 550 with leucine.
Molecular consequence: missense variant.
Genome position (GRCh38, 1-based): chr12:123,747,651, C>G. VCF-style: chr12-123747651-C-G. GRCh37 (hg19) VCF-style: chr12-124232198-C-G.
Other names: short protein forms F550L.
Identifiers: ClinVar variation 3329445 (VCV003329445.2).